The following is an entry in ClinVar:

NM_053025.4(MYLK):c.5680A>G (p.Thr1894Ala)

Genes: MYLK (myosin light chain kinase; minus strand), MYLK-AS1 (MYLK antisense RNA 1; plus strand). Cytogenetic location: 3q21.1.
Variant type: single nucleotide variant.
Coding change: c.5680A>G on transcript NM_053025.4 (MANE Select); coding-DNA position 5680, A replaced by G.
Protein change: p.Thr1894Ala; replaces threonine 1894 with alanine.
Molecular consequence: missense variant.
Genome position (GRCh38, 1-based): chr3:123,614,170, T>C on the plus strand (A>G on the coding strand, the complement: MYLK is on the minus strand). VCF-style: chr3-123614170-T-C. GRCh37 (hg19) VCF-style: chr3-123333017-T-C.
Other names: c.5152A>G, p.Thr1718Ala (NM_001321309.2); c.5473A>G, p.Thr1825Ala (NM_053026.4); c.5527A>G, p.Thr1843Ala (NM_053027.4); c.5320A>G, p.Thr1774Ala (NM_053028.4); c.397A>G, p.Thr133Ala (NM_053031.4); c.400A>G, p.Thr134Ala (NM_053032.4); short protein forms T1774A, T134A, T1843A, T1894A, T1718A, T1825A, T133A.
Identifiers: ClinVar variation 3876584 (VCV003876584.1).
Genomic context (GRCh38, chr3:123,614,170, plus strand): 5'-CTTCTTCCTCTTCCCCTTCCCCTTCACCTTCCTCCATCGTTTCCACAATGAGCTCTGCTG[T>C]GCAGGTGGCTTCTCCAAGACTGTTGACAGCCTTGCAGGTGTACTTGGCATCGTCATCCCC-3'
Protein context (NP_444253.3, residues 1884-1904): AVNSLGEATC[Thr1894Ala]AELIVETMEE

ClinVar aggregate classification (germline): Uncertain significance (1 of 4 stars; one submission).

Conditions:
Familial thoracic aortic aneurysm and aortic dissection (TAAD). Also called: Thoracic aortic aneurysms and dissections. Identifiers: Orphanet 91387, MedGen C4707243, MONDO:0019625.

Submission:

Ambry Genetics
Classification: Uncertain significance for Familial thoracic aortic aneurysm and aortic dissection. Last evaluated: 2025-01-13. Review status: criteria provided, single submitter. Criteria: Ambry Variant Classification Scheme 2023. Collection method: clinical testing. Allele origin: germline.
Comment: The p.T1894A variant (also known as c.5680A>G), located in coding exon 31 of the MYLK gene, results from an A to G substitution at nucleotide position 5680. The threonine at codon 1894 is replaced by alanine, an amino acid with similar properties. This amino acid position is conserved. In addition, the in silico prediction for this alteration is inconclusive. Based on the available evidence, the clinical significance of this variant remains unclear.